The following is an entry in ClinVar:

ClinVar aggregate classification (germline): Benign (0 of 4 stars; one submission).

Conditions:
EPPK1-related disorder. Also called: EPPK1-related condition.

Allele frequency attached by ClinVar (database versions not stated): ExAC 0.00440; 1000 Genomes Project 0.01178; 1000 Genomes Project 30x 0.01218; ESP Exome Variant Server 0.01301.

Submission:

PreventionGenetics, part of Exact Sciences
Classification: Benign for EPPK1-related condition. Last evaluated: 2021-04-14. Review status: no assertion criteria provided. Collection method: clinical testing. Allele origin: germline.
Comment: This variant is classified as benign based on ACMG/AMP sequence variant interpretation guidelines (Richards et al. 2015 PMID: 25741868, with internal and published modifications).

NM_031308.4(EPPK1):c.4488G>A (p.Ala1496=)

Gene: EPPK1 (epiplakin 1; minus strand). Cytogenetic location: 8q24.3.
Variant type: single nucleotide variant.
Coding change: c.4488G>A on transcript NM_031308.4 (MANE Select); coding-DNA position 4488, G replaced by A.
Protein change: p.Ala1496=; no amino-acid change (alanine 1496 retained).
Molecular consequence: synonymous variant.
Genome position (GRCh38, 1-based): chr8:143,868,766, C>T on the plus strand (G>A on the coding strand, the complement: EPPK1 is on the minus strand). VCF-style: chr8-143868766-C-T. GRCh37 (hg19) VCF-style: chr8-144942934-C-T.
Identifiers: ClinVar variation 3035625 (VCV003035625.2), dbSNP rs114155737, ClinGen allele CA4922470.